The following is an entry in ClinVar:

ClinVar aggregate classification (germline): Uncertain significance (1 of 4 stars; one submission).

Allele frequency attached by ClinVar (database versions not stated): ExAC 0.00002; gnomAD exomes 0.00002; gnomAD 0.00003 and 0.00004; TOPMed 0.00003; ESP Exome Variant Server 0.00023.

Submission:

Labcorp Genetics (formerly Invitae), Labcorp
Classification: Uncertain significance. Last evaluated: 2021-11-30. Review status: criteria provided, single submitter. Criteria: Invitae Variant Classification Sherloc (09022015). Collection method: clinical testing. Allele origin: germline.
Comment: In summary, the available evidence is currently insufficient to determine the role of this variant in disease. Therefore, it has been classified as a Variant of Uncertain Significance. Algorithms developed to predict the effect of missense changes on protein structure and function output the following: SIFT: "Tolerated"; PolyPhen-2: "Benign"; Align-GVGD: "Class C0". The asparagine amino acid residue is found in multiple mammalian species, which suggests that this missense change does not adversely affect protein function. This variant has not been reported in the literature in individuals affected with CUL7-related conditions. This variant is present in population databases (rs142227648, gnomAD 0.004%). This sequence change replaces aspartic acid, which is acidic and polar, with asparagine, which is neutral and polar, at codon 269 of the CUL7 protein (p.Asp269Asn).

NM_014780.5(CUL7):c.805G>A (p.Asp269Asn)

Gene: CUL7 (cullin 7; minus strand). Cytogenetic location: 6p21.1.
Variant type: single nucleotide variant.
Coding change: c.805G>A on transcript NM_014780.5 (MANE Select); coding-DNA position 805, G replaced by A.
Protein change: p.Asp269Asn; replaces aspartic acid 269 with asparagine.
Molecular consequence: missense variant.
Genome position (GRCh38, 1-based): chr6:43,051,396, C>T on the plus strand (G>A on the coding strand, the complement: CUL7 is on the minus strand). VCF-style: chr6-43051396-C-T. GRCh37 (hg19) VCF-style: chr6-43019134-C-T.
Other names: c.901G>A, p.Asp301Asn (NM_001168370.2, NM_001374872.1); c.805G>A, p.Asp269Asn (NM_001374873.1, NM_001374874.1); short protein forms D301N, D269N.
Identifiers: ClinVar variation 1347509 (VCV001347509.4), dbSNP rs142227648, ClinGen allele CA3814296.
Genomic context (GRCh38, chr6:43,051,396, plus strand): 5'-TCTCCCCACTCAACTCCTCAGGAGCAGAGGTGTTCTGGGCTCCTGGCTCCGCAGCACTGT[C>T]GTTCAGCTGATCCAGGAGCGAGGTGACATGCAAATACCGCTTCACCAGGGAGAAGAGCAC-3'
Protein context (NP_055595.2, residues 259-279): HVTSLLDQLN[Asp269Asn]SAAEPGAQNT